The following is an entry in ClinVar:

ClinVar aggregate classification (germline): Pathogenic/Likely pathogenic. Review status: criteria provided, multiple submitters, no conflicts (2 of 4 stars). 3 submissions from 3 submitters: Pathogenic (1); Likely pathogenic (1). 1 of the submissions does not count toward it. Last evaluated 2024-11-03.

Conditions:
Iron-refractory iron deficiency anemia (IRIDA). Also called: PSEUDO-IRON-DEFICIENCY ANEMIA; ANEMIA, HYPOCHROMIC MICROCYTIC, WITH DEFECT IN IRON METABOLISM; IRON-HANDLING DISORDER, HEREDITARY; IRIDA syndrome. Identifiers: Orphanet 209981, MedGen C0085576, MONDO:0008788, OMIM 206200. Disease mechanism: loss of function.

Allele frequency attached by ClinVar (database versions not stated): gnomAD exomes below 0.00001 and 0.00002; TOPMed 0.00002; gnomAD 0.00003 and 0.00004.
gnomAD v4.1: 40 of 1,613,892 alleles (0.0025%); highest among the groups gnomAD compares: African/African-American, 0.004%; no homozygotes.

Submissions (3):

Labcorp Genetics (formerly Invitae), Labcorp
Classification: Pathogenic. Last evaluated: 2024-11-03. Review status: criteria provided, single submitter. Criteria: Invitae Variant Classification Sherloc (09022015). Collection method: clinical testing. Allele origin: germline.
Comment: This sequence change replaces glycine, which is neutral and non-polar, with arginine, which is basic and polar, at codon 442 of the TMPRSS6 protein (p.Gly442Arg). This variant is present in population databases (rs137853119, gnomAD 0.0009%). This missense change has been observed in individuals with iron-refractory iron deficiency anemia (PMID: 18408718, 23319530, 27365303, 27643674). It has also been observed to segregate with disease in related individuals. ClinVar contains an entry for this variant (Variation ID: 1403). Invitae Evidence Modeling of protein sequence and biophysical properties (such as structural, functional, and spatial information, amino acid conservation, physicochemical variation, residue mobility, and thermodynamic stability) has been performed for this missense variant. However, the output from this modeling did not meet the statistical confidence thresholds required to predict the impact of this variant on TMPRSS6 protein function. Experimental studies have shown that this missense change affects TMPRSS6 function (PMID: 19357398, 25588876). For these reasons, this variant has been classified as Pathogenic.

MGZ Medical Genetics Center
Classification: Likely pathogenic for Iron-refractory iron deficiency anemia. Last evaluated: 2022-08-17. Review status: criteria provided, single submitter. Criteria: ACMG Guidelines, 2015. Collection method: clinical testing. Allele origin: germline. Affected: yes. Observed: 1 variant allele.
Comment: ACMG criteria applied: PS3, PS4_MOD, PM3, PM2_SUP

OMIM
Classification: Pathogenic for IRON-REFRACTORY IRON DEFICIENCY ANEMIA. Last evaluated: 2009-05-28. Review status: no assertion criteria provided. Collection method: literature only. Allele origin: germline. Not counted in ClinVar's aggregate classification.

Literature cited by the submitters: PubMed 18408718 (cited by Labcorp Genetics (formerly Invitae), Labcorp and OMIM); PubMed 23319530 (cited by Labcorp Genetics (formerly Invitae), Labcorp); PubMed 27365303 (cited by Labcorp Genetics (formerly Invitae), Labcorp); PubMed 27643674 (cited by Labcorp Genetics (formerly Invitae), Labcorp); PubMed 19357398 (cited by Labcorp Genetics (formerly Invitae), Labcorp and OMIM); PubMed 25588876 (cited by Labcorp Genetics (formerly Invitae), Labcorp).

NM_001374504.1(TMPRSS6):c.1297G>A (p.Gly433Arg)

Gene: TMPRSS6 (transmembrane serine protease 6; minus strand). Cytogenetic location: 22q12.3.
Variant type: single nucleotide variant.
Coding change: c.1297G>A on transcript NM_001374504.1 (MANE Select); coding-DNA position 1297, G replaced by A.
Protein change: p.Gly433Arg; replaces glycine 433 with arginine.
Molecular consequence: missense variant.
Genome position (GRCh38, 1-based): chr22:37,075,180, C>T on the plus strand (G>A on the coding strand, the complement: TMPRSS6 is on the minus strand). VCF-style: chr22-37075180-C-T. GRCh37 (hg19) VCF-style: chr22-37471220-C-T.
Other names: G442R; c.1297G>A, p.Gly433Arg (NM_001289000.2, NM_001289001.2, NM_153609.4); short protein forms G433R.
Identifiers: ClinVar variation 1403 (VCV000001403.8), dbSNP rs137853119, ClinGen allele CA114989.